The following is an entry in ClinVar:

NM_001271.4(CHD2):c.4381G>A (p.Asp1461Asn)

Gene: CHD2 (chromodomain helicase DNA binding protein 2; plus strand). Cytogenetic location: 15q26.1.
Variant type: single nucleotide variant.
Coding change: c.4381G>A on transcript NM_001271.4 (MANE Select); coding-DNA position 4381, G replaced by A.
Protein change: p.Asp1461Asn; replaces aspartic acid 1461 with asparagine.
Molecular consequence: missense variant.
Genome position (GRCh38, 1-based): chr15:93,004,719, G>A. VCF-style: chr15-93004719-G-A. GRCh37 (hg19) VCF-style: chr15-93547949-G-A.
Other names: short protein forms D1461N.
Identifiers: ClinVar variation 1810114 (VCV001810114.1), dbSNP rs2505608104, ClinGen allele CA393903390.

ClinVar aggregate classification (germline): Uncertain significance (1 of 4 stars; one submission).

Submission:

GeneDx
Classification: Uncertain significance. Last evaluated: 2022-06-29. Review status: criteria provided, single submitter. Criteria: GeneDx Variant Classification Process June 2021. Collection method: clinical testing. Allele origin: germline. Affected: yes.
Comment: Not observed at significant frequency in large population cohorts (gnomAD); In silico analysis supports that this missense variant does not alter protein structure/function; Has not been previously published as pathogenic or benign to our knowledge